The following is an entry in ClinVar:

NM_005026.5(PIK3CD):c.1587C>A (p.Asp529Glu)

Gene: PIK3CD (phosphatidylinositol-4,5-bisphosphate 3-kinase catalytic subunit delta; plus strand). Cytogenetic location: 1p36.22.
Variant type: single nucleotide variant.
Coding change: c.1587C>A on transcript NM_005026.5 (MANE Select); coding-DNA position 1587, C replaced by A.
Protein change: p.Asp529Glu; replaces aspartic acid 529 with glutamic acid.
Molecular consequence: missense variant.
Genome position (GRCh38, 1-based): chr1:9,720,807, C>A. VCF-style: chr1-9720807-C-A. GRCh37 (hg19) VCF-style: chr1-9780865-C-A.
Other names: c.1584C>A, p.Asp528Glu (NM_001350234.2); c.1500C>A, p.Asp500Glu (NM_001350235.1); short protein forms D500E, D529E, D528E.
Identifiers: ClinVar variation 1505614 (VCV001505614.8), dbSNP rs1332713912, ClinGen allele CA338303844.

ClinVar aggregate classification (germline): Uncertain significance (1 of 4 stars; one submission).

Conditions:
Immunodeficiency 14 (IMD14A). Also called: ACTIVATED PI3K-DELTA SYNDROME 1; Activated PI3K Delta Syndrome Type 1 (APDS1); p110-DELTA-ACTIVATING MUTATION CAUSING SENESCENT T CELLS, LYMPHADENOPATHY, AND IMMUNODEFICIENCY; IMMUNODEFICIENCY 14A WITH LYMPHOPROLIFERATION, AUTOSOMAL DOMINANT. Identifiers: Orphanet 397596, Orphanet 693661, MedGen C5907821, MONDO:0014222, OMIM 615513.

Allele frequency attached by ClinVar (database versions not stated): gnomAD exomes below 0.00001 and 0.00001; TOPMed below 0.00001.
gnomAD v4.1: 2 of 1,613,134 alleles (0.00012%); highest among the groups gnomAD compares: Non-Finnish European, 0.00017%; no homozygotes.

Submission:

Labcorp Genetics (formerly Invitae), Labcorp
Classification: Uncertain significance for Activated PI3K-delta syndrome. Last evaluated: 2023-09-01. Review status: criteria provided, single submitter. Criteria: Invitae Variant Classification Sherloc (09022015). Collection method: clinical testing. Allele origin: germline.
Comment: This sequence change replaces aspartic acid, which is acidic and polar, with glutamic acid, which is acidic and polar, at codon 529 of the PIK3CD protein (p.Asp529Glu). This variant is present in population databases (no rsID available, gnomAD 0.0009%). This variant has not been reported in the literature in individuals affected with PIK3CD-related conditions. ClinVar contains an entry for this variant (Variation ID: 1505614). Advanced modeling of protein sequence and biophysical properties (such as structural, functional, and spatial information, amino acid conservation, physicochemical variation, residue mobility, and thermodynamic stability) performed at Invitae indicates that this missense variant is not expected to disrupt PIK3CD protein function. In summary, the available evidence is currently insufficient to determine the role of this variant in disease. Therefore, it has been classified as a Variant of Uncertain Significance.